The following is an entry in ClinVar:

NM_016239.4(MYO15A):c.10389G>A (p.Ser3463=)

Gene: MYO15A (myosin XVA; plus strand). Cytogenetic location: 17p11.2.
Variant type: single nucleotide variant.
Coding change: c.10389G>A on transcript NM_016239.4 (MANE Select); coding-DNA position 10389, G replaced by A.
Protein change: p.Ser3463=; no amino-acid change (serine 3463 retained).
Molecular consequence: synonymous variant.
Genome position (GRCh38, 1-based): chr17:18,173,819, G>A. VCF-style: chr17-18173819-G-A. GRCh37 (hg19) VCF-style: chr17-18077133-G-A.
Other names: c.10389G>A (NM_016239.3).
Identifiers: ClinVar variation 2985456 (VCV002985456.6), dbSNP rs970481026, ClinGen allele CA498212123.
Genomic context (GRCh38, chr17:18,173,819, plus strand): 5'-GCCCCTCTCCTCCTACTCCCAGGAATTGATGGTGAAGTTCCCCCTGAAGGAGATCCAGTC[G>A]ACGCGGACCCAGCGGCCCACGGCCAACTCCAGCTACCCCTATGTGGAGATTGCGCTGGGG-3'
Protein context (NP_057323.3, residues 3453-3473): MVKFPLKEIQ[Ser3463=]TRTQRPTANS

ClinVar aggregate classification (germline): Likely benign. Review status: criteria provided, multiple submitters, no conflicts (2 of 4 stars). 3 submissions from 3 submitters: Likely benign (2). 1 of the submissions does not count toward it. Last evaluated 2024-10-08.

Conditions:
MYO15A-related disorder. Also called: MYO15A-related condition.
Inborn genetic diseases. Identifiers: MedGen C0950123, MeSH D030342.

Allele frequency attached by ClinVar (database versions not stated): gnomAD 0.00001.
gnomAD v4.1: 29 of 1,613,896 alleles (0.0018%); highest among the groups gnomAD compares: East Asian, 0.0045%; no homozygotes.

Submissions (3):

Ambry Genetics
Classification: Likely benign for Inborn genetic diseases. Last evaluated: 2024-10-08. Review status: criteria provided, single submitter. Criteria: Ambry Variant Classification Scheme 2023. Collection method: clinical testing. Allele origin: germline.

Labcorp Genetics (formerly Invitae), Labcorp
Classification: Likely benign. Last evaluated: 2024-02-19. Review status: criteria provided, single submitter. Criteria: Invitae Variant Classification Sherloc (09022015). Collection method: clinical testing. Allele origin: germline.

PreventionGenetics, part of Exact Sciences
Classification: Likely benign for MYO15A-related condition. Last evaluated: 2019-03-25. Review status: no assertion criteria provided. Collection method: clinical testing. Allele origin: germline. Not counted in ClinVar's aggregate classification.
Comment: This variant is classified as likely benign based on ACMG/AMP sequence variant interpretation guidelines (Richards et al. 2015 PMID: 25741868, with internal and published modifications).